The following is an entry in ClinVar:

ClinVar aggregate classification (germline): Uncertain significance (1 of 4 stars; one submission).

Conditions:
Congenital brain dysgenesis due to glutamine synthetase deficiency (GLND). Also called: GLUTAMINE SYNTHASE DEFICIENCY, CONGENITAL SYSTEMIC. Identifiers: Orphanet 71278, MedGen C1864910, MONDO:0012393, OMIM 610015.

Allele frequency attached by ClinVar (database versions not stated): gnomAD exomes below 0.00001.
gnomAD v4.1: 3 of 1,613,998 alleles (0.00019%); highest among the groups gnomAD compares: South Asian, 0.0033%; no homozygotes.

Submission:

Labcorp Genetics (formerly Invitae), Labcorp
Classification: Uncertain significance for Congenital brain dysgenesis due to glutamine synthetase deficiency. Last evaluated: 2022-04-14. Review status: criteria provided, single submitter. Criteria: Invitae Variant Classification Sherloc (09022015). Collection method: clinical testing. Allele origin: germline.
Comment: This sequence change replaces lysine, which is basic and polar, with arginine, which is basic and polar, at codon 103 of the GLUL protein (p.Lys103Arg). This variant is present in population databases (no rsID available, gnomAD 0.003%). This variant has not been reported in the literature in individuals affected with GLUL-related conditions. Algorithms developed to predict the effect of missense changes on protein structure and function are either unavailable or do not agree on the potential impact of this missense change (SIFT: "Tolerated"; PolyPhen-2: "Possibly Damaging"; Align-GVGD: "Class C0"). Algorithms developed to predict the effect of sequence changes on RNA splicing suggest that this variant may disrupt the consensus splice site. In summary, the available evidence is currently insufficient to determine the role of this variant in disease. Therefore, it has been classified as a Variant of Uncertain Significance.

NM_001033044.4(GLUL):c.308A>G (p.Lys103Arg)

Gene: GLUL (glutamate-ammonia ligase; minus strand). Cytogenetic location: 1q25.3.
Variant type: single nucleotide variant.
Coding change: c.308A>G on transcript NM_001033044.4 (MANE Select); coding-DNA position 308, A replaced by G.
Protein change: p.Lys103Arg; replaces lysine 103 with arginine.
Molecular consequence: missense variant.
Genome position (GRCh38, 1-based): chr1:182,387,151, T>C on the plus strand (A>G on the coding strand, the complement: GLUL is on the minus strand). VCF-style: chr1-182387151-T-C. GRCh37 (hg19) VCF-style: chr1-182356286-T-C.
Other names: c.308A>G, p.Lys103Arg (NM_001033056.4, NM_002065.7); short protein forms K103R.
Identifiers: ClinVar variation 2084815 (VCV002084815.1), dbSNP rs1265372366, ClinGen allele CA343628681.